The following is an entry in ClinVar:

NM_005609.4(PYGM):c.2082C>A (p.Asp694Glu)

Gene: PYGM (glycogen phosphorylase, muscle associated; minus strand). Cytogenetic location: 11q13.1.
Variant type: single nucleotide variant.
Coding change: c.2082C>A on transcript NM_005609.4 (MANE Select); coding-DNA position 2082, C replaced by A.
Protein change: p.Asp694Glu; replaces aspartic acid 694 with glutamic acid.
Molecular consequence: missense variant.
Genome position (GRCh38, 1-based): chr11:64,750,471, G>T on the plus strand (C>A on the coding strand, the complement: PYGM is on the minus strand). VCF-style: chr11-64750471-G-T. GRCh37 (hg19) VCF-style: chr11-64517943-G-T.
Other names: c.1818C>A, p.Asp606Glu (NM_001164716.1); short protein forms D606E, D694E.
Identifiers: ClinVar variation 986743 (VCV000986743.5), dbSNP rs773543072, ClinGen allele CA381167861.

ClinVar aggregate classification (germline): Likely pathogenic. Review status: criteria provided, multiple submitters, no conflicts (2 of 4 stars). 2 submissions from 2 submitters: Likely pathogenic (2). Last evaluated 2024-04-29.

Conditions:
Glycogen storage disease, type V (GSD5). Also called: PYGM DEFICIENCY; McArdle type glycogen storage disease; MCARDLE DISEASE; MUSCLE GLYCOGEN PHOSPHORYLASE DEFICIENCY; MYOPHOSPHORYLASE DEFICIENCY. Identifiers: Orphanet 368, MedGen C0017924, MONDO:0009293, OMIM 232600.

Submissions (2):

Fulgent Genetics
Classification: Likely pathogenic for Glycogen storage disease, type V. Last evaluated: 2024-04-29. Review status: criteria provided, single submitter. Criteria: ACMG Guidelines, 2015. Collection method: clinical testing. Allele origin: germline.

Columbia University Laboratory of Personalized Genomic Medicine, Columbia University Medical Center
Classification: Likely pathogenic for Glycogen storage disease, type V. Last evaluated: 2020-11-15. Review status: criteria provided, single submitter. Criteria: ACMG Guidelines, 2015. Collection method: clinical testing. Allele origin: germline. Inheritance: Autosomal recessive inheritance. Affected: yes. Observed: 1 compound heterozygote.
Comment: The c.2082C>A variant in PYGM Gene results in the substitution of amino acid residue ASP694 in the glycogen phosphorylase catalytic domain in coding exon 17 (NM_005609.2), which is a hot spot exon for PYGM mutations (Muman Mutat.2015 July;36(7):669-78. The variant is predicted to be deleterious and damaging to the protein function by Provean and SIFT respectively. Additionally, in vitro, functional biochemical studies revealed that this variant is associated with the loss of muscle glycogen phosphorylase activity. In summary, the Asp694Glu variant meets ACMG criteria to be classified as likely pathogenic (Richards et al 2015).

Literature cited by the submitters: PubMed 25914343 (cited by Columbia University Laboratory of Personalized Genomic Medicine, Columbia University Medical Center).